The following is an entry in ClinVar:

ClinVar aggregate classification (germline): Likely benign. Review status: criteria provided, multiple submitters, no conflicts (2 of 4 stars). 5 submissions from 5 submitters: Likely benign (5). Last evaluated 2025-10-09.

Conditions:
Hereditary cancer-predisposing syndrome. Also called: Tumor predisposition; Hereditary neoplastic syndrome; Hereditary Cancer Syndrome; Neoplastic Syndromes, Hereditary. Identifiers: Orphanet 140162, MedGen C0027672, MeSH D009386, MONDO:0015356.
Cardiovascular phenotype. Identifiers: MedGen CN230736.
Neurofibromatosis, type 1 (NF1). Also called: Neurofibromatosis, type I; VON RECKLINGHAUSEN DISEASE; Peripheral type neurofibromatosis; NEUROFIBROMATOSIS, TYPE I, SOMATIC. Identifiers: Orphanet 636, MedGen C0027831, MONDO:0018975, OMIM 162200. Disease mechanism: loss of function.

gnomAD v4.1: 2 of 1,613,964 alleles (0.00012%); highest among the groups gnomAD compares: Non-Finnish European, 0.00017%; no homozygotes.

Submissions (5):

Labcorp Genetics (formerly Invitae), Labcorp
Classification: Likely benign for Neurofibromatosis, type 1. Last evaluated: 2025-10-09. Review status: criteria provided, single submitter. Criteria: Invitae Variant Classification Sherloc (09022015). Collection method: clinical testing. Allele origin: germline.

CeGaT Center for Human Genetics Tuebingen
Classification: Likely benign. Last evaluated: 2024-12-01. Review status: criteria provided, single submitter. Criteria: CeGaT Center For Human Genetics Tuebingen Variant Classification Criteria Version 2. Collection method: clinical testing. Allele origin: germline. Affected: yes. Observed: 2 variant alleles.
Comment: NF1: BP4, BP7

Blueprint Genetics
Classification: Likely benign. Last evaluated: 2023-05-17. Review status: criteria provided, single submitter. Criteria: ACMG Guidelines, 2015. Collection method: clinical testing. Allele origin: germline.

Genome-Nilou Lab
Classification: Likely benign for Neurofibromatosis, type 1. Last evaluated: 2022-03-15. Review status: criteria provided, single submitter. Criteria: ACMG Guidelines, 2015. Collection method: clinical testing. Allele origin: germline. Affected: no.

Ambry Genetics
Classification: Likely benign for Cardiovascular phenotype; Hereditary cancer-predisposing syndrome. Last evaluated: 2019-08-02. Review status: criteria provided, single submitter. Criteria: Ambry Variant Classification Scheme 2023. Collection method: clinical testing. Allele origin: germline.

NM_001042492.3(NF1):c.8382C>T (p.Ile2794=)

Gene: NF1 (neurofibromin 1; plus strand). Cytogenetic location: 17q11.2.
Variant type: single nucleotide variant.
Coding change: c.8382C>T on transcript NM_001042492.3 (MANE Select); coding-DNA position 8382, C replaced by T.
Protein change: p.Ile2794=; no amino-acid change (isoleucine 2794 retained).
Molecular consequence: synonymous variant.
Genome position (GRCh38, 1-based): chr17:31,374,017, C>T. VCF-style: chr17-31374017-C-T. GRCh37 (hg19) VCF-style: chr17-29701035-C-T.
Other names: c.8319C>T, p.Ile2773= (NM_000267.4).
Identifiers: ClinVar variation 412965 (VCV000412965.76), dbSNP rs1060503890, ClinGen allele CA16615297.